The following is an entry in ClinVar:

NM_032638.5(GATA2):c.405_409delinsGTA (p.Gly136fs)

Gene: GATA2 (GATA binding protein 2; minus strand). Cytogenetic location: 3q21.3.
Variant type: Indel.
Coding change: c.405_409delinsGTA on transcript NM_032638.5 (MANE Select); coding-DNA positions 405 to 409, AGGCC replaced by GTA.
Protein change: p.Gly136fs; shifts the reading frame from glycine 136.
Molecular consequence: frameshift variant.
Genome position (GRCh38, 1-based): chr3:128,486,189-128,486,193, GGCCT replaced by TAC on the plus strand (AGGCC replaced by GTA on the coding strand, the reverse complement: GATA2 is on the minus strand). VCF-style: chr3-128486189-GGCCT-TAC. GRCh37 (hg19) VCF-style: chr3-128205032-GGCCT-TAC.
Other names: c.405_409delinsGTA, p.Gly136fs (NM_001145661.2, NM_001145662.1); short protein forms G136fs.
Identifiers: ClinVar variation 800686 (VCV000800686.3), dbSNP rs1576749014, ClinGen allele CA915941570.

ClinVar aggregate classification (germline): Pathogenic/Likely pathogenic. Review status: criteria provided, multiple submitters, no conflicts (2 of 4 stars). 2 submissions from 2 submitters: Pathogenic (1); Likely pathogenic (1). Last evaluated 2023-11-06.

Conditions:
Myelodysplastic syndrome (MDS). Also called: MYELODYSPLASTIC SYNDROME, SUSCEPTIBILITY TO; Myelodysplastic syndrome, somatic; Myelodysplastic syndromes. Identifiers: Orphanet 52688, MedGen C3463824, MeSH D009190, MONDO:0018881, OMIM 614286.

Submissions (2):

St. Jude Molecular Pathology, St. Jude Children's Research Hospital
Classification: Pathogenic for Myelodysplastic syndrome. Last evaluated: 2023-11-06. Review status: criteria provided, single submitter. Criteria: St. Jude Assertion Criteria 2020. Collection method: clinical testing. Allele origin: germline. Affected: yes.
Comment: The GATA2 c.405_409delinsGTA (p.Gly136TyrfsTer48) change creates a frameshift and a premature stop codon. This change is predicted to cause protein truncation or absence of protein due to nonsense-mediated decay. To our knowledge, this variant has not been reported in the literature in individuals presenting with GATA2-associated clinical phenotypes. It is absent in gnomAD v2.1.1. Loss-of-function variants in GATA2 are known to be pathogenic (PMID: 21670465, 23223431). In summary, this variant meets criteria to be classified as pathogenic.

PreventionGenetics, part of Exact Sciences
Classification: Likely pathogenic. Last evaluated: 2018-06-04. Review status: criteria provided, single submitter. Criteria: ACMG Guidelines, 2015. Collection method: clinical testing. Allele origin: germline.